The following is an entry in ClinVar:

ClinVar aggregate classification (germline): Pathogenic (1 of 4 stars; one submission).

Conditions:
Febrile seizures, familial, 8 (FEB8). Also called: CONVULSIONS, FAMILIAL FEBRILE, 8. Identifiers: Orphanet 36387, MedGen C1969810, MONDO:0011891, OMIM 607681.
EPILEPSY, CHILDHOOD ABSENCE, SUSCEPTIBILITY TO, 2 (ECA2). Identifiers: Orphanet 64280, MedGen C1843244, OMIM 607681.

Submission:

Labcorp Genetics (formerly Invitae), Labcorp
Classification: Pathogenic for Febrile seizures, familial, 8; EPILEPSY, CHILDHOOD ABSENCE, SUSCEPTIBILITY TO, 2. Last evaluated: 2025-02-24. Review status: criteria provided, single submitter. Criteria: Invitae Variant Classification Sherloc (09022015). Collection method: clinical testing. Allele origin: germline.
Comment: This sequence change results in a frameshift in the GABRG2 gene (p.Ser416Argfs*79). While this is not anticipated to result in nonsense mediated decay, it is expected to disrupt the last 50 amino acid(s) of the GABRG2 protein and extend the protein by 26 additional amino acid residues. This variant is present in population databases (no rsID available, gnomAD 0.007%). This variant has not been reported in the literature in individuals affected with GABRG2-related conditions. ClinVar contains an entry for this variant (Variation ID: 1073528). This variant disrupts a region of the GABRG2 protein in which other variant(s) (p.Trp429*) have been determined to be pathogenic (PMID: 18566737). This suggests that this is a clinically significant region of the protein, and that variants that disrupt it are likely to be disease-causing. For these reasons, this variant has been classified as Pathogenic.

Literature cited by the submitters: PubMed 18566737.

NM_198904.4(GABRG2):c.1272_1273delinsG (p.Ser424fs)

Gene: GABRG2 (gamma-aminobutyric acid type A receptor subunit gamma2; plus strand). Cytogenetic location: 5q34.
Variant type: Indel.
Coding change: c.1272_1273delinsG on transcript NM_198904.4 (MANE Select); coding-DNA positions 1272 to 1273, TT replaced by G.
Protein change: p.Ser424fs; shifts the reading frame from serine 424.
Molecular consequence: frameshift variant. On other transcripts: 3 prime UTR variant (1).
Genome position (GRCh38, 1-based): chr5:162,153,212-162,153,213, TT replaced by G. VCF-style: chr5-162153212-TT-G. GRCh37 (hg19) VCF-style: chr5-161580218-TT-G.
Other names: c.1248_1249delinsG, p.Ser416fs (NM_000816.3); c.1263_1264delinsG, p.Ser421fs (NM_001375339.1); c.*106_*107delinsG (NM_001375340.1); c.1269_1270delinsG, p.Ser423fs (NM_001375341.1); c.1245_1246delinsG, p.Ser415fs (NM_001375342.1); c.1368_1369delinsG, p.Ser456fs (NM_001375343.1); c.1311_1312delinsG, p.Ser437fs (NM_001375344.1); c.1182_1183delinsG, p.Ser394fs (NM_001375345.1); and 6 more; short protein forms S276fs, S284fs, S321fs, S416fs, S402fs, S423fs, S464fs, S395fs.
Identifiers: ClinVar variation 4790939 (VCV004790939.1).